The following is an entry in ClinVar:

ClinVar aggregate classification (germline): Likely pathogenic (1 of 4 stars; one submission).

Submission:

Dasa
Classification: Likely pathogenic. Last evaluated: 2025-05-20. Review status: criteria provided, single submitter. Criteria: DASA Assertion Criteria. Collection method: clinical testing. Allele origin: germline.
Comment: NM_001042492.3(NF1):c.1155_1156insTT (p.Ile386Leufs*2) is a frameshift variant in NF1 predicted to alter the reading frame and introduce a premature termination codon and is predicted to result in an absent or altered protein product. Loss of function is an established disease mechanism for NF1 (PMID: 1757093; PMID: 1302608; PMID: 34427956). Also, this variant is absent from population databases. Based on the currently available evidence, this variant is classified as likely pathogenic.

Literature cited by the submitters: PubMed 1757093; PubMed 1302608; PubMed 34427956.

NM_001042492.3(NF1):c.1155_1156insTT (p.Ile386fs)

Gene: NF1 (neurofibromin 1; plus strand). Cytogenetic location: 17q11.2.
Variant type: Insertion.
Coding change: c.1155_1156insTT on transcript NM_001042492.3 (MANE Select); coding-DNA positions 1155 to 1156, TT inserted.
Protein change: p.Ile386fs; shifts the reading frame from isoleucine 386.
Molecular consequence: frameshift variant.
Genome position: GRCh38 VCF-style: chr17-31201128-G-GTT. GRCh37 (hg19) VCF-style: chr17-29528146-G-GTT.
Other names: c.1155_1156insTT, p.Ile386fs (NM_000267.4, NM_001128147.3); short protein forms I386fs.
Identifiers: ClinVar variation 4886551 (VCV004886551.2).